The following is an entry in ClinVar:

NM_006721.4(ADK):c.994C>T (p.Pro332Ser)

Gene: ADK (adenosine kinase; plus strand). Cytogenetic location: 10q22.2.
Variant type: single nucleotide variant.
Coding change: c.994C>T on transcript NM_006721.4 (MANE Select); coding-DNA position 994, C replaced by T.
Protein change: p.Pro332Ser; replaces proline 332 with serine.
Molecular consequence: missense variant. On other transcripts: synonymous variant (1).
Genome position (GRCh38, 1-based): chr10:74,708,350, C>T. VCF-style: chr10-74708350-C-T. GRCh37 (hg19) VCF-style: chr10-76468108-C-T.
Other names: c.943C>T, p.Pro315Ser (NM_001123.4); c.889C>T, p.Pro297Ser (NM_001202449.2); c.823C>T, p.Pro275Ser (NM_001202450.2); c.879C>T, p.Ser293= (NM_001369123.1); c.772C>T, p.Pro258Ser (NM_001369124.1); short protein forms P258S, P275S, P297S, P315S, P332S.
Identifiers: ClinVar variation 2624019 (VCV002624019.5), dbSNP rs2548202703, ClinGen allele CA377398370.

ClinVar aggregate classification (germline): Uncertain significance. Review status: criteria provided, multiple submitters, no conflicts (2 of 4 stars). 2 submissions from 2 submitters: Uncertain significance (2). Last evaluated 2025-06-20.

Conditions:
Inborn genetic diseases. Identifiers: MedGen C0950123, MeSH D030342.

Allele frequency attached by ClinVar (database versions not stated): gnomAD exomes 0.00002.
gnomAD v4.1: 33 of 1,612,098 alleles (0.002%); highest among the groups gnomAD compares: Non-Finnish European, 0.0027%; no homozygotes.

Submissions (2):

Labcorp Genetics (formerly Invitae), Labcorp
Classification: Uncertain significance. Last evaluated: 2025-06-20. Review status: criteria provided, single submitter. Criteria: Invitae Variant Classification Sherloc (09022015). Collection method: clinical testing. Allele origin: germline.
Comment: This sequence change replaces proline, which is neutral and non-polar, with serine, which is neutral and polar, at codon 315 of the ADK protein (p.Pro315Ser). This variant is not present in population databases (gnomAD no frequency). This variant has not been reported in the literature in individuals affected with ADK-related conditions. ClinVar contains an entry for this variant (Variation ID: 2624019). Invitae Evidence Modeling of protein sequence and biophysical properties (such as structural, functional, and spatial information, amino acid conservation, physicochemical variation, residue mobility, and thermodynamic stability) indicates that this missense variant is not expected to disrupt ADK protein function with a negative predictive value of 80%. In summary, the available evidence is currently insufficient to determine the role of this variant in disease. Therefore, it has been classified as a Variant of Uncertain Significance.

Ambry Genetics
Classification: Uncertain significance for Inborn genetic diseases. Last evaluated: 2023-09-14. Review status: criteria provided, single submitter. Criteria: Ambry Variant Classification Scheme 2023. Collection method: clinical testing. Allele origin: germline.